The following is an entry in ClinVar:

NM_000153.4(GALC):c.1247C>G (p.Ser416Cys)

Gene: GALC (galactosylceramidase; minus strand). Cytogenetic location: 14q31.3.
Variant type: single nucleotide variant.
Coding change: c.1247C>G on transcript NM_000153.4 (MANE Select); coding-DNA position 1247, C replaced by G.
Protein change: p.Ser416Cys; replaces serine 416 with cysteine.
Molecular consequence: missense variant.
Genome position (GRCh38, 1-based): chr14:87,950,663, G>C on the plus strand (C>G on the coding strand, the complement: GALC is on the minus strand). VCF-style: chr14-87950663-G-C. GRCh37 (hg19) VCF-style: chr14-88417007-G-C.
Other names: c.1178C>G, p.Ser393Cys (NM_001201401.2); c.1169C>G, p.Ser390Cys (NM_001201402.2); short protein forms S393C, S390C, S416C.
Identifiers: ClinVar variation 2006271 (VCV002006271.4), dbSNP rs754947654, ClinGen allele CA390746911.

ClinVar aggregate classification (germline): Uncertain significance (1 of 4 stars; one submission).

Conditions:
Galactosylceramide beta-galactosidase deficiency. Also called: GALACTOCEREBROSIDASE DEFICIENCY; GALC DEFICIENCY; GLOBOID CELL LEUKOENCEPHALOPATHY; Krabbe Disease; Leukodystrophy, Globoid Cell. Identifiers: Orphanet 487, MedGen C0023521, MONDO:0009499, OMIM 245200.

Submission:

Labcorp Genetics (formerly Invitae), Labcorp
Classification: Uncertain significance for Galactosylceramide beta-galactosidase deficiency. Last evaluated: 2022-06-29. Review status: criteria provided, single submitter. Criteria: Invitae Variant Classification Sherloc (09022015). Collection method: clinical testing. Allele origin: germline.
Comment: In summary, the available evidence is currently insufficient to determine the role of this variant in disease. Therefore, it has been classified as a Variant of Uncertain Significance. Advanced modeling of protein sequence and biophysical properties (such as structural, functional, and spatial information, amino acid conservation, physicochemical variation, residue mobility, and thermodynamic stability) performed at Invitae indicates that this missense variant is expected to disrupt GALC protein function. This variant has not been reported in the literature in individuals affected with GALC-related conditions. This variant is not present in population databases (gnomAD no frequency). This sequence change replaces serine, which is neutral and polar, with cysteine, which is neutral and slightly polar, at codon 416 of the GALC protein (p.Ser416Cys).